The following is an entry in ClinVar:

ClinVar aggregate classification (germline): Uncertain significance (1 of 4 stars; one submission).

Conditions:
Spastic paraplegia. Identifiers: MedGen C0037772, HP:0001258.

gnomAD v4.1: 1 of 1,208,907 alleles (0.000083%); highest among the groups gnomAD compares: African/African-American, 0.0017%; no homozygotes.

Submission:

Labcorp Genetics (formerly Invitae), Labcorp
Classification: Uncertain significance for Spastic paraplegia. Last evaluated: 2026-01-17. Review status: criteria provided, single submitter. Criteria: Invitae Variant Classification Sherloc (09022015). Collection method: clinical testing. Allele origin: germline.
Comment: This sequence change replaces threonine, which is neutral and polar, with isoleucine, which is neutral and non-polar, at codon 402 of the L1CAM protein (p.Thr402Ile). This variant is not present in population databases (gnomAD no frequency). This variant has not been reported in the literature in individuals affected with L1CAM-related conditions. Invitae Evidence Modeling of protein sequence and biophysical properties (such as structural, functional, and spatial information, amino acid conservation, physicochemical variation, residue mobility, and thermodynamic stability) indicates that this missense variant is not expected to disrupt L1CAM protein function with a negative predictive value of 95%. In summary, the available evidence is currently insufficient to determine the role of this variant in disease. Therefore, it has been classified as a Variant of Uncertain Significance.

NM_001278116.2(L1CAM):c.1205C>T (p.Thr402Ile)

Gene: L1CAM (L1 cell adhesion molecule; minus strand). Cytogenetic location: Xq28.
Variant type: single nucleotide variant.
Coding change: c.1205C>T on transcript NM_001278116.2 (MANE Select); coding-DNA position 1205, C replaced by T.
Protein change: p.Thr402Ile; replaces threonine 402 with isoleucine.
Molecular consequence: missense variant.
Genome position (GRCh38, 1-based): chrX:153,869,582, G>A on the plus strand (C>T on the coding strand, the complement: L1CAM is on the minus strand). VCF-style: chrX-153869582-G-A. GRCh37 (hg19) VCF-style: chrX-153135037-G-A.
Other names: c.1205C>T, p.Thr402Ile (NM_000425.5, NM_024003.3); c.1190C>T, p.Thr397Ile (NM_001143963.2); short protein forms T397I, T402I.
Identifiers: ClinVar variation 4799032 (VCV004799032.1).